The following is an entry in ClinVar:

NM_002471.4(MYH6):c.5508A>G (p.Ala1836=)

Gene: MYH6 (myosin heavy chain 6; minus strand). Cytogenetic location: 14q11.2.
Variant type: single nucleotide variant.
Coding change: c.5508A>G on transcript NM_002471.4 (MANE Select); coding-DNA position 5508, A replaced by G.
Protein change: p.Ala1836=; no amino-acid change (alanine 1836 retained).
Molecular consequence: synonymous variant.
Genome position (GRCh38, 1-based): chr14:23,384,499, T>C on the plus strand (A>G on the coding strand, the complement: MYH6 is on the minus strand). VCF-style: chr14-23384499-T-C. GRCh37 (hg19) VCF-style: chr14-23853708-T-C.
Identifiers: ClinVar variation 36633 (VCV000036633.7), dbSNP rs193922654, ClinGen allele CA325766.

ClinVar aggregate classification (germline): Likely benign. Review status: criteria provided, multiple submitters, no conflicts (2 of 4 stars). 2 submissions from 2 submitters: Likely benign (2). Last evaluated 2024-01-03.

Conditions:
Cardiomyopathy (CMYO). Also called: Cardiomyopathies. Identifiers: Orphanet 167848, MedGen C0878544, MONDO:0004994, HP:0001638. Inheritance: Various modes of inheritance.
Hypertrophic cardiomyopathy 14. Identifiers: MedGen C2750467, MONDO:0013197, OMIM 613251.

Allele frequency attached by ClinVar (database versions not stated): TOPMed below 0.00001; gnomAD 0.00001.
gnomAD v4.1: 6 of 1,613,084 alleles (0.00037%); highest among the groups gnomAD compares: Non-Finnish European, 0.00051%; no homozygotes.

Submissions (2):

Labcorp Genetics (formerly Invitae), Labcorp
Classification: Likely benign for Hypertrophic cardiomyopathy 14. Last evaluated: 2024-01-03. Review status: criteria provided, single submitter. Criteria: Invitae Variant Classification Sherloc (09022015). Collection method: clinical testing. Allele origin: germline.

Women's Health and Genetics/Laboratory Corporation of America, LabCorp
Classification: Likely benign for Cardiomyopathy. Last evaluated: 2011-08-18. Review status: criteria provided, single submitter. Criteria: LabCorp Variant Classification Summary - May 2015. Collection method: curation. Allele origin: germline. Inheritance: autosomal unknown. Affected: yes.
ClinVar note: Converted during submission from likely benign to Likely benign.